The following is an entry in ClinVar:

NM_020822.3(KCNT1):c.3178-26_3178-13del

Gene: KCNT1 (potassium sodium-activated channel subfamily T member 1; plus strand). Cytogenetic location: 9q34.3.
Variant type: Deletion.
Coding change: c.3178-26_3178-13del on transcript NM_020822.3 (MANE Select); 26 bases into the intron before coding-DNA position 3178 through 13 bases into the intron before coding-DNA position 3178, 14 bases deleted (GCCCTGCCCTGCCC).
Molecular consequence: intron variant.
Genome position (GRCh38, 1-based): chr9:135,786,171-135,786,184, GCCCTGCCCTGCCC deleted; deleting any 14 consecutive bases within chr9:135,786,168-135,786,184 gives the same sequence; the c. name uses the placement nearest the transcript's 3' end. VCF-style (leftmost placement, unchanged base first): chr9-135786167-CCCCGCCCTGCCCTG-C. GRCh37 (hg19) VCF-style: chr9-138678013-CCCCGCCCTGCCCTG-C.
Other names: c.3043-26_3043-13del (NM_001272003.2).
Identifiers: ClinVar variation 3755152 (VCV003755152.2).
Genomic context (GRCh38, chr9:135,786,167, plus strand): 5'-CCACACCTCTTCCTAAGCCCCTGCCCCAAAGCCCGCGACCCTCCCGGCAGCCTCACCCCT[CCCCGCCCTGCCCTG>C]CCCTGCCCTGCCCAGTCCCAGATCTCGGTGAACGTGGAGGACTGTGAGGACACACGGGAA-3'

ClinVar aggregate classification (germline): Uncertain significance (1 of 4 stars; one submission).

Conditions:
Autosomal dominant nocturnal frontal lobe epilepsy 5. Also called: KCNT1-Related Epilepsy; CILIARY DYSKINESIA, PRIMARY, 28, WITHOUT SITUS INVERSUS; CILIARY DYSKINESIA, PRIMARY, 28, WITH SITUS INVERSUS; Epilepsy, nocturnal frontal lobe, 5. Identifiers: Orphanet 98784, MedGen C3554306, MONDO:0014002, OMIM 615005.
Developmental and epileptic encephalopathy, 14 (DEE14). Also called: Early infantile epileptic encephalopathy 14. Identifiers: Orphanet 293181, MedGen C3554195, MONDO:0013989, OMIM 614959.

Submission:

Labcorp Genetics (formerly Invitae), Labcorp
Classification: Uncertain significance for Autosomal dominant nocturnal frontal lobe epilepsy 5; Developmental and epileptic encephalopathy, 14. Last evaluated: 2024-03-06. Review status: criteria provided, single submitter. Criteria: Invitae Variant Classification Sherloc (09022015). Collection method: clinical testing. Allele origin: germline.
Comment: This sequence change falls in intron 28 of the KCNT1 gene. It does not directly change the encoded amino acid sequence of the KCNT1 protein. This variant is not present in population databases (gnomAD no frequency). This variant has not been reported in the literature in individuals affected with KCNT1-related conditions. Experimental studies and prediction algorithms are not available or were not evaluated, and the effect of this variant on mRNA splicing is currently unknown. In summary, the available evidence is currently insufficient to determine the role of this variant in disease. Therefore, it has been classified as a Variant of Uncertain Significance.